The following is an entry in ClinVar:

ClinVar aggregate classification (germline): Pathogenic (1 of 4 stars; one submission).

Conditions:
Familial focal epilepsy with variable foci (FPEVF). Identifiers: Orphanet 98820, MedGen C1858477, MONDO:0020310.

Submission:

Labcorp Genetics (formerly Invitae), Labcorp
Classification: Pathogenic for Familial focal epilepsy with variable foci. Last evaluated: 2025-10-20. Review status: criteria provided, single submitter. Criteria: Invitae Variant Classification Sherloc (09022015). Collection method: clinical testing. Allele origin: germline.
Comment: This sequence change creates a premature translational stop signal (p.Trp115*) in the DEPDC5 gene. It is expected to result in an absent or disrupted protein product. Loss-of-function variants in DEPDC5 are known to be pathogenic (PMID: 23542697, 23542701). This variant is not present in population databases (gnomAD no frequency). This variant has not been reported in the literature in individuals affected with DEPDC5-related conditions. ClinVar contains an entry for this variant (Variation ID: 2744899). For these reasons, this variant has been classified as Pathogenic.

Literature cited by the submitters: PubMed 23542697; PubMed 23542701.

NM_001242896.3(DEPDC5):c.345G>A (p.Trp115Ter)

Gene: DEPDC5 (DEP domain containing 5, GATOR1 subcomplex subunit; plus strand). Cytogenetic location: 22q12.2.
Variant type: single nucleotide variant.
Coding change: c.345G>A on transcript NM_001242896.3 (MANE Select); coding-DNA position 345, G replaced by A.
Protein change: p.Trp115Ter; replaces tryptophan 115 with a stop codon.
Molecular consequence: nonsense. On other transcripts: non-coding transcript variant (5), intron variant (2).
Genome position (GRCh38, 1-based): chr22:31,766,650, G>A. VCF-style: chr22-31766650-G-A. GRCh37 (hg19) VCF-style: chr22-32162636-G-A.
Other names: c.345G>A, p.Trp115Ter (NM_001363854.2, NM_001364318.2, NM_001364319.2 and 7 more transcripts); c.279+1590G>A (NM_001369902.1, NM_001369901.1); short protein forms W115*.
Identifiers: ClinVar variation 2744899 (VCV002744899.3), dbSNP rs2517947258, ClinGen allele CA411282523.